The following is an entry in ClinVar:

ClinVar aggregate classification (germline): Pathogenic (1 of 4 stars; one submission).

Conditions:
Early-infantile DEE. Also called: Early infantile epileptic encephalopathy; Early infantile epileptic encephalopathy with suppression bursts; Ohtahara syndrome. Identifiers: Orphanet 1934, MedGen C0393706, MONDO:0800491.

Submission:

Labcorp Genetics (formerly Invitae), Labcorp
Classification: Pathogenic for Early-infantile DEE. Last evaluated: 2023-12-07. Review status: criteria provided, single submitter. Criteria: Invitae Variant Classification Sherloc (09022015). Collection method: clinical testing. Allele origin: germline.
Comment: This sequence change creates a premature translational stop signal (p.Phe745Leufs*26) in the SCN1A gene. It is expected to result in an absent or disrupted protein product. Loss-of-function variants in SCN1A are known to be pathogenic (PMID: 17347258, 18930999). This variant is not present in population databases (gnomAD no frequency). This variant has not been reported in the literature in individuals affected with SCN1A-related conditions. ClinVar contains an entry for this variant (Variation ID: 857116). For these reasons, this variant has been classified as Pathogenic.

Literature cited by the submitters: PubMed 17347258; PubMed 18930999.

NM_001165963.4(SCN1A):c.2232_2233del (p.Phe745fs)

Gene: SCN1A (sodium voltage-gated channel alpha subunit 1; minus strand). Cytogenetic location: 2q24.3.
Variant type: Microsatellite.
Coding change: c.2232_2233del on transcript NM_001165963.4 (MANE Select); coding-DNA positions 2232 to 2233, 2 bases deleted (AT; older notation c.2232_2233delAT).
Protein change: p.Phe745fs; shifts the reading frame from phenylalanine 745.
Molecular consequence: frameshift variant. On other transcripts: 5 prime UTR variant (1), non-coding transcript variant (1).
Genome position (GRCh38, 1-based): chr2:166,041,413-166,041,414, AT deleted on the plus strand (AT on the coding strand, the reverse complement: SCN1A is on the minus strand); deleting any 2 consecutive bases within chr2:166,041,413-166,041,416 gives the same sequence; the c. name uses the placement nearest the transcript's 3' end. VCF-style (leftmost placement, unchanged base first): chr2-166041412-AAT-A. GRCh37 (hg19) VCF-style: chr2-166897922-AAT-A.
Other names: c.2148_2149del, p.Phe717fs (NM_001165964.3, NM_001353957.2, NM_001353958.2); c.2232_2233del, p.Phe745fs (NM_001202435.3, NM_001353948.2); c.2199_2200del, p.Phe734fs (NM_001353949.2, NM_001353950.2, NM_001353951.2 and 2 more transcripts); c.2196_2197del, p.Phe733fs (NM_001353954.2, NM_001353955.2); c.2145_2146del, p.Phe716fs (NM_001353960.2); c.-229AT[1] (NM_001353961.2); short protein forms F745fs, F716fs, F717fs, F733fs, F734fs.
Identifiers: ClinVar variation 857116 (VCV000857116.8), dbSNP rs1697160366, ClinGen allele CA916082234.